The following is an entry in ClinVar:

ClinVar aggregate classification (germline): Uncertain significance (1 of 4 stars; one submission).

Submission:

CeGaT Center for Human Genetics Tuebingen
Classification: Uncertain significance. Last evaluated: 2022-05-01. Review status: criteria provided, single submitter. Criteria: CeGaT Center For Human Genetics Tuebingen Variant Classification Criteria Version 2. Collection method: clinical testing. Allele origin: germline. Affected: yes. Observed: 1 variant allele.
Comment: GBA1: PM2

NM_000157.4(GBA1):c.1403A>C (p.Glu468Ala)

Genes: GBA1 (glucosylceramidase beta 1; minus strand), LOC106627981 (GBA recombination region; plus strand). Cytogenetic location: 1q22.
Variant type: single nucleotide variant.
Coding change: c.1403A>C on transcript NM_000157.4 (MANE Select); coding-DNA position 1403, A replaced by C.
Protein change: p.Glu468Ala; replaces glutamic acid 468 with alanine.
Molecular consequence: missense variant.
Genome position (GRCh38, 1-based): chr1:155,235,297, T>G on the plus strand (A>C on the coding strand, the complement: GBA1 is on the minus strand). VCF-style: chr1-155235297-T-G. GRCh37 (hg19) VCF-style: chr1-155205088-T-G.
Other names: c.1403A>C, p.Glu468Ala (NM_001005741.3, NM_001005742.3); c.1142A>C, p.Glu381Ala (NM_001171811.2); c.1256A>C, p.Glu419Ala (NM_001171812.2); short protein forms E381A, E419A, E468A.
Identifiers: ClinVar variation 2639398 (VCV002639398.24), dbSNP rs2524816839, ClinGen allele CA342711949.